The following is an entry in ClinVar:

NM_000222.3(KIT):c.1211C>A (p.Ala404Glu)

Gene: KIT (KIT proto-oncogene, receptor tyrosine kinase; plus strand). Cytogenetic location: 4q12.
Variant type: single nucleotide variant.
Coding change: c.1211C>A on transcript NM_000222.3 (MANE Select); coding-DNA position 1211, C replaced by A.
Protein change: p.Ala404Glu; replaces alanine 404 with glutamic acid.
Molecular consequence: missense variant.
Genome position (GRCh38, 1-based): chr4:54,709,519, C>A. VCF-style: chr4-54709519-C-A. GRCh37 (hg19) VCF-style: chr4-55575685-C-A.
Other names: c.1211C>A, p.Ala404Glu (NM_001093772.2, NM_001385285.1, NM_001385286.1); c.1214C>A, p.Ala405Glu (NM_001385284.1, NM_001385288.1, NM_001385290.1 and 1 more transcripts); short protein forms A404E, A405E.
Identifiers: ClinVar variation 528541 (VCV000528541.9), dbSNP rs1345754212, ClinGen allele CA356902619.

ClinVar aggregate classification (germline): Uncertain significance (1 of 4 stars; one submission).

Conditions:
Gastrointestinal stromal tumor. Also called: Gastrointestinal stroma tumor; Gastrointestinal stromal tumor, somatic. Identifiers: Orphanet 44890, MedGen C0238198, MeSH D046152, MONDO:0011719, OMIM 606764, HP:0100723.

Allele frequency attached by ClinVar (database versions not stated): gnomAD exomes below 0.00001.

Submission:

Labcorp Genetics (formerly Invitae), Labcorp
Classification: Uncertain significance for Gastrointestinal stromal tumor. Last evaluated: 2025-02-21. Review status: criteria provided, single submitter. Criteria: Invitae Variant Classification Sherloc (09022015). Collection method: clinical testing. Allele origin: germline.
Comment: This sequence change replaces alanine, which is neutral and non-polar, with glutamic acid, which is acidic and polar, at codon 404 of the KIT protein (p.Ala404Glu). This variant is present in population databases (no rsID available, gnomAD 0.0009%). This variant has not been reported in the literature in individuals affected with KIT-related conditions. ClinVar contains an entry for this variant (Variation ID: 528541). An algorithm developed to predict the effect of missense changes on protein structure and function (PolyPhen-2) suggests that this variant is likely to be tolerated. In summary, the available evidence is currently insufficient to determine the role of this variant in disease. Therefore, it has been classified as a Variant of Uncertain Significance.